The following is an entry in ClinVar:

ClinVar aggregate classification (germline): Uncertain significance (1 of 4 stars; one submission).

Submission:

Women's Health and Genetics/Laboratory Corporation of America, LabCorp
Classification: Uncertain significance. Last evaluated: 2025-11-20. Review status: criteria provided, single submitter. Criteria: LabCorp Variant Classification Summary - May 2015. Collection method: clinical testing. Allele origin: germline.
Comment: Variant summary: The variant involves the duplication of exons 1-13 in the ABHD12 gene. A presumed nomenclature of c.(?_-133)_(*632_?)dup has been designated for the purposes of this classification. This duplication includes the entire coding sequence of the gene. As exact breakpoints are unknown, it may extend beyond the annotated region of the gene, to include other flanking genes. The variant was absent in 20974 control chromosomes (gnomAD SV database). The available data on variant occurrences in the general population are insufficient to allow any conclusion about variant significance. To our knowledge, no occurrence of c.(?_-133)_(*632_?)dup in individuals affected with ABHD12-related conditions and no experimental evidence demonstrating its impact on protein function have been reported. No submitters have cited clinical-significance assessments for this variant to ClinVar. Based on the evidence outlined above, the variant was classified as uncertain significance.

NC_000020.10:g.(?_25280849)_(25371472_?)dup

Gene: ABHD12 (abhydrolase domain containing 12, lysophospholipase; minus strand). Cytogenetic location: 20p11.21.
Variant type: Duplication.
Identifiers: ClinVar variation 4537293 (VCV004537293.1).